The following is an entry in ClinVar:

ClinVar aggregate classification (germline): Pathogenic. Review status: criteria provided, multiple submitters, no conflicts (2 of 4 stars). 2 submissions from 2 submitters: Pathogenic (2). Last evaluated 2023-08-17.

Conditions:
Long QT syndrome 1 (LQT1). Identifiers: Orphanet 101016, Orphanet 768, MedGen C4551647, MONDO:0100316, OMIM 192500, MONDO:0008646.
Long QT syndrome (LQTS). Identifiers: MedGen C0023976, MeSH D008133, MONDO:0002442. Disease mechanism: loss of function. Inheritance: Various modes of inheritance.

Submissions (2):

Labcorp Genetics (formerly Invitae), Labcorp
Classification: Pathogenic for Long QT syndrome. Last evaluated: 2023-08-17. Review status: criteria provided, single submitter. Criteria: Invitae Variant Classification Sherloc (09022015). Collection method: clinical testing. Allele origin: germline.
Comment: For these reasons, this variant has been classified as Pathogenic. Algorithms developed to predict the effect of sequence changes on RNA splicing suggest that this variant may disrupt the consensus splice site. ClinVar contains an entry for this variant (Variation ID: 207970). Disruption of this splice site has been observed in individual(s) with Jervell and Lange-Nielsen syndrome (PMID: 19862833, 27041150). In at least one individual the data is consistent with being in trans (on the opposite chromosome) from a pathogenic variant. This variant is not present in population databases (gnomAD no frequency). This sequence change affects an acceptor splice site in intron 14 of the KCNQ1 gene. It is expected to disrupt RNA splicing. Variants that disrupt the donor or acceptor splice site typically lead to a loss of protein function (PMID: 16199547), and loss-of-function variants in KCNQ1 are known to be pathogenic (PMID: 9323054, 19862833).

Institute of Medical Genetics and Genomics, Sir Ganga Ram Hospital
Classification: Pathogenic for Long QT syndrome, LQT1 subtype. Last evaluated: 2012-01-01. Review status: criteria provided, single submitter. Criteria: Vyas et al. (Am J Med Genet A. 2016). Collection method: research. Allele origin: germline. Affected: yes. Observed: 1 variant allele. Study: Life Threatening Long QT Syndromes.

Literature cited by the submitters: PubMed 19862833 (cited by Labcorp Genetics (formerly Invitae), Labcorp); PubMed 27041150 (cited by Labcorp Genetics (formerly Invitae), Labcorp); PubMed 16199547 (cited by Labcorp Genetics (formerly Invitae), Labcorp); PubMed 9323054 (cited by Labcorp Genetics (formerly Invitae), Labcorp).

NM_000218.3(KCNQ1):c.1733-1G>C

Gene: KCNQ1 (potassium voltage-gated channel subfamily Q member 1; plus strand). Cytogenetic location: 11p15.5.
Variant type: single nucleotide variant.
Coding change: c.1733-1G>C on transcript NM_000218.3 (MANE Select); the canonical splice acceptor site of the intron before coding-DNA position 1733, G replaced by C.
Molecular consequence: splice acceptor variant.
Genome position (GRCh38, 1-based): chr11:2,777,975, G>C. VCF-style: chr11-2777975-G-C. GRCh37 (hg19) VCF-style: chr11-2799205-G-C.
Other names: c.1463-1G>C (NM_001406837.1); c.1637-1G>C (NM_001406836.1); c.1193-1G>C (NM_001406838.1); c.1352-1G>C (NM_181798.2); c.245-1G>C (NM_001406839.1).
Identifiers: ClinVar variation 207970 (VCV000207970.16), dbSNP rs878854348, ClinGen allele CA10575755.
Genomic context (GRCh38, chr11:2,777,975, plus strand): 5'-AGCTGGGGTCCCCGGCCCACCCCAGCACTTGGCCCTGATTTGGGTGTTTTATCCCCCATA[G>C]AAAAGAGCAAGGATCGCGGCAGCAACACGATCGGCGCCCGCCTGAACCGAGTAGAAGACA-3'